The following is an entry in ClinVar:

ClinVar aggregate classification (germline): Pathogenic (1 of 4 stars; one submission).

Submission:

Quest Diagnostics Nichols Institute San Juan Capistrano
Classification: Pathogenic. Last evaluated: 2025-04-08. Review status: criteria provided, single submitter. Criteria: Quest Diagnostics criteria. Collection method: clinical testing. Allele origin: unknown.
Comment: The NF1 c.474_475insC (p.Thr159Hisfs*15) variant alters the translational reading frame of the NF1 mRNA and causes the premature termination of NF1 protein synthesis. This variant has not been reported in individuals with NF1-related conditions in the published literature. This variant has not been reported in large, multi-ethnic general populations (Genome Aggregation Database). Based on the available information, this variant is classified as pathogenic.

NM_001042492.3(NF1):c.474_475insC (p.Thr159fs)

Gene: NF1 (neurofibromin 1; plus strand). Cytogenetic location: 17q11.2.
Variant type: Insertion.
Coding change: c.474_475insC on transcript NM_001042492.3 (MANE Select); coding-DNA positions 474 to 475, C inserted.
Protein change: p.Thr159fs; shifts the reading frame from threonine 159.
Molecular consequence: frameshift variant.
Genome position: GRCh38 VCF-style: chr17-31163371-T-TC. GRCh37 (hg19) VCF-style: chr17-29490389-T-TC.
Other names: c.474_475insC, p.Thr159fs (NM_000267.4, NM_001128147.3); short protein forms T159fs.
Identifiers: ClinVar variation 4532914 (VCV004532914.1).